The following is an entry in ClinVar:

NM_000083.3(CLCN1):c.2784_2785del (p.Glu928fs)

Gene: CLCN1 (chloride voltage-gated channel 1; plus strand). Cytogenetic location: 7q34.
Variant type: Microsatellite.
Coding change: c.2784_2785del on transcript NM_000083.3 (MANE Select); coding-DNA positions 2784 to 2785, 2 bases deleted (GA; older notation c.2784_2785delGA).
Protein change: p.Glu928fs; shifts the reading frame from glutamic acid 928.
Molecular consequence: frameshift variant. On other transcripts: non-coding transcript variant (1).
Genome position (GRCh38, 1-based): chr7:143,351,782-143,351,783, GA deleted; deleting any 2 consecutive bases within chr7:143,351,779-143,351,783 gives the same sequence; the c. name uses the placement nearest the transcript's 3' end. VCF-style (leftmost placement, unchanged base first): chr7-143351778-CAG-C. GRCh37 (hg19) VCF-style: chr7-143048871-CAG-C.
Other names: short protein forms E928fs.
Identifiers: ClinVar variation 2945634 (VCV002945634.3), dbSNP rs2485448767, ClinGen allele CA2740094943.

ClinVar aggregate classification (germline): Pathogenic (1 of 4 stars; one submission).

Conditions:
Congenital myotonia, autosomal dominant form (THD). Also called: THOMSEN DISEASE; Myotonia congenita autosomal dominant. Identifiers: Orphanet 614, MedGen C2936781, MONDO:0008055, OMIM 160800.
Congenital myotonia, autosomal recessive form. Also called: BECKER DISEASE; Becker Generalized Myotonia; myotonia congenita, autosomal recessive. Identifiers: Orphanet 614, MedGen C0751360, MONDO:0009715, OMIM 255700.

Submission:

Labcorp Genetics (formerly Invitae), Labcorp
Classification: Pathogenic for Congenital myotonia, autosomal recessive form; Congenital myotonia, autosomal dominant form. Last evaluated: 2023-03-22. Review status: criteria provided, single submitter. Criteria: Invitae Variant Classification Sherloc (09022015). Collection method: clinical testing. Allele origin: germline.
Comment: For these reasons, this variant has been classified as Pathogenic. This variant disrupts a region of the CLCN1 protein in which other variant(s) (p.Gly945Argfs*39) have been determined to be pathogenic (PMID: 18337100; Invitae). This suggests that this is a clinically significant region of the protein, and that variants that disrupt it are likely to be disease-causing. This variant has not been reported in the literature in individuals affected with CLCN1-related conditions. This variant is not present in population databases (gnomAD no frequency). This sequence change creates a premature translational stop signal (p.Glu928Aspfs*55) in the CLCN1 gene. While this is not anticipated to result in nonsense mediated decay, it is expected to disrupt the last 61 amino acid(s) of the CLCN1 protein.

Literature cited by the submitters: PubMed 18337100.